The following is an entry in ClinVar:

ClinVar aggregate classification (germline): Benign/Likely benign. Review status: criteria provided, multiple submitters, no conflicts (2 of 4 stars). 10 submissions from 9 submitters: Benign (2); Likely benign (5). 3 of the submissions do not count toward it. Last evaluated 2026-09-01.

Conditions:
Cystinosis. Also called: Cystine diathesis; Cystine storage disease; Cystinoses. Identifiers: Orphanet 213, MedGen C4316899, MONDO:0016239.
Juvenile nephropathic cystinosis. Also called: CYSTINOSIS, LATE-ONSET JUVENILE OR ADOLESCENT NEPHROPATHIC TYPE; Later-Onset (Juvenile) Cystinosis; Intermediate Cystinosis. Identifiers: Orphanet 213, Orphanet 411634, MedGen C0268626, MONDO:0009066, OMIM 219900.
Inborn genetic diseases. Identifiers: MedGen C0950123, MeSH D030342.
Ocular cystinosis. Also called: Non-Nephropathic (Ocular) Cystinosis; Non-Nephropathic Cystinosis. Identifiers: Orphanet 213, Orphanet 411641, MedGen C2931013, MONDO:0009064, OMIM 219750.
Nephropathic cystinosis (CTNS). Also called: Abderhalden Lignac Kaufmann disease; Abderhalden-Kaufmann-Lignac syndrome; CYSTINOSIN, DEFECT OF; LYSOSOMAL CYSTINE TRANSPORT PROTEIN, DEFECT OF. Identifiers: Orphanet 213, Orphanet 411629, MedGen C2931187, MONDO:0100151, OMIM 219800.
CTNS-related disorder. Also called: CTNS-related condition.

Allele frequency attached by ClinVar (database versions not stated): gnomAD 0.00259; 1000 Genomes Project 0.00260; 1000 Genomes Project 30x 0.00312; TOPMed 0.00368; ESP Exome Variant Server 0.00408.
gnomAD v4.1: 7,298 of 1,585,604 alleles (0.46%); highest among the groups gnomAD compares: Non-Finnish European, 0.55%; 30 homozygotes.

Submissions (17):

CeGaT Center for Human Genetics Tuebingen
Classification: Likely benign. Last evaluated: 2026-09-01. Review status: criteria provided, single submitter. Criteria: CeGaT Center For Human Genetics Tuebingen Variant Classification Criteria Version 2. Collection method: clinical testing. Allele origin: germline. Affected: yes. Observed: 5 variant alleles.
Comment: CTNS: BP4, BS2

Labcorp Genetics (formerly Invitae), Labcorp
Classification: Benign for Inborn genetic diseases; Ocular cystinosis; Juvenile nephropathic cystinosis. Last evaluated: 2026-02-04. Review status: criteria provided, single submitter. Criteria: Invitae Variant Classification Sherloc (09022015). Collection method: clinical testing. Allele origin: germline.

Blueprint Genetics
Classification: Likely benign. Last evaluated: 2024-11-27. Review status: criteria provided, single submitter. Criteria: ACMG Guidelines, 2015. Collection method: clinical testing. Allele origin: germline.

Illumina Laboratory Services, Illumina
Classification: Likely benign for Ocular cystinosis. Last evaluated: 2018-01-12. Review status: criteria provided, single submitter. Criteria: ICSL Variant Classification Criteria 13 December 2019. Collection method: clinical testing. Allele origin: germline.
Comment: This variant was observed in the ICSL laboratory as part of a predisposition screen in an ostensibly healthy population. It had not been previously curated by ICSL or reported in the Human Gene Mutation Database (HGMD: prior to June 1st, 2018), and was therefore a candidate for classification through an automated scoring system. Utilizing variant allele frequency, disease prevalence and penetrance estimates, and inheritance mode, an automated score was calculated to assess if this variant is too frequent to cause the disease. Based on the score and internal cut-off values, a variant classified as likely benign is not then subjected to further curation. The score for this variant resulted in a classification of likely benign for this disease.

Illumina Laboratory Services, Illumina
Classification: Likely benign for Nephropathic cystinosis. Last evaluated: 2018-01-12. Review status: criteria provided, single submitter. Criteria: ICSL Variant Classification Criteria 13 December 2019. Collection method: clinical testing. Allele origin: germline.
Comment: the same text as in the submission from Illumina Laboratory Services, Illumina above.

Eurofins Ntd Llc (ga)
Classification: Benign. Last evaluated: 2016-05-19. Review status: criteria provided, single submitter. Criteria: EGL Classification Definitions 2015. Collection method: clinical testing. Allele origin: germline. Observed: 1 variant allele, 1 heterozygote.

Breakthrough Genomics
Classification: Likely benign. Review status: criteria provided, single submitter. Criteria: ACMG Guidelines, 2015. Collection method: not provided. Allele origin: germline. Inheritance: Autosomal recessive inheritance. Affected: yes.

PreventionGenetics, part of Exact Sciences
Classification: Likely benign for CTNS-related condition. Last evaluated: 2022-03-18. Review status: no assertion criteria provided. Collection method: clinical testing. Allele origin: germline. Not counted in ClinVar's aggregate classification.
Comment: This variant is classified as likely benign based on ACMG/AMP sequence variant interpretation guidelines (Richards et al. 2015 PMID: 25741868, with internal and published modifications).

Natera, Inc.
Classification: Likely benign for Cystinosis. Last evaluated: 2020-04-21. Review status: no assertion criteria provided. Collection method: clinical testing. Allele origin: germline. Not counted in ClinVar's aggregate classification.

Mayo Clinic Laboratories, Mayo Clinic
Classification: Likely benign. Last evaluated: 2018-01-24. Review status: no assertion criteria provided. Collection method: clinical testing. Allele origin: unknown. Not counted in ClinVar's aggregate classification.

Dr. Peter K. Rogan Lab, Western University
No classification provided (evidence only). Condition: Lung cancer. Review status: no classification provided. Collection method: in vitro. Allele origin: not applicable. Functional consequence: retained intron. Not counted in ClinVar's aggregate classification.

Dr. Peter K. Rogan Lab, Western University
No classification provided (evidence only). Condition: Lung cancer. Review status: no classification provided. Collection method: in vitro. Allele origin: not applicable. Functional consequence: retained intron. Not counted in ClinVar's aggregate classification.

Dr. Peter K. Rogan Lab, Western University
No classification provided (evidence only). Condition: Uterine corpus endometrial carcinoma. Review status: no classification provided. Collection method: in vitro. Allele origin: not applicable. Functional consequence: retained intron. Not counted in ClinVar's aggregate classification.

Dr. Peter K. Rogan Lab, Western University
No classification provided (evidence only). Condition: Sarcoma. Review status: no classification provided. Collection method: in vitro. Allele origin: not applicable. Functional consequence: retained intron. Not counted in ClinVar's aggregate classification.

Dr. Peter K. Rogan Lab, Western University
No classification provided (evidence only). Condition: Uveal melanoma. Review status: no classification provided. Collection method: in vitro. Allele origin: not applicable. Functional consequence: retained intron. Not counted in ClinVar's aggregate classification.

Dr. Peter K. Rogan Lab, Western University
No classification provided (evidence only). Condition: Malignant tumor of esophagus. Review status: no classification provided. Collection method: in vitro. Allele origin: not applicable. Functional consequence: retained intron. Not counted in ClinVar's aggregate classification.

Dr. Peter K. Rogan Lab, Western University
No classification provided (evidence only). Condition: Malignant tumor of esophagus. Review status: no classification provided. Collection method: in vitro. Allele origin: not applicable. Functional consequence: retained intron. Not counted in ClinVar's aggregate classification.

NM_004937.3(CTNS):c.462-7C>A

Genes: CTNS (cystinosin, lysosomal cystine transporter; plus strand), CTNS-AS1 (CTNS antisense RNA 1; minus strand). Cytogenetic location: 17p13.2.
Variant type: single nucleotide variant.
Coding change: c.462-7C>A on transcript NM_004937.3 (MANE Select); 7 bases into the intron before coding-DNA position 462, C replaced by A.
Molecular consequence: intron variant.
Genome position (GRCh38, 1-based): chr17:3,656,480, C>A. VCF-style: chr17-3656480-C-A. GRCh37 (hg19) VCF-style: chr17-3559774-C-A.
Other names: c.462-7C>A (NM_001031681.3, NM_001374492.1); c.21-7C>A (NM_001374493.1, NM_001374495.1, NM_001374494.1 and 1 more transcripts).
Identifiers: ClinVar variation 288254 (VCV000288254.47), dbSNP rs189632527, ClinGen allele CA8291749.